The following is an entry in ClinVar:

NM_001029883.3(PCARE):c.3800C>T (p.Pro1267Leu)

Gene: PCARE (photoreceptor cilium actin regulator; minus strand). Cytogenetic location: 2p23.2.
Variant type: single nucleotide variant.
Coding change: c.3800C>T on transcript NM_001029883.3 (MANE Select); coding-DNA position 3800, C replaced by T.
Protein change: p.Pro1267Leu; replaces proline 1267 with leucine.
Molecular consequence: missense variant.
Genome position (GRCh38, 1-based): chr2:29,064,936, G>A on the plus strand (C>T on the coding strand, the complement: PCARE is on the minus strand). VCF-style: chr2-29064936-G-A. GRCh37 (hg19) VCF-style: chr2-29287802-G-A.
Other names: short protein forms P1267L.
Identifiers: ClinVar variation 1036009 (VCV001036009.7), dbSNP rs760408273, ClinGen allele CA1591827.
Genomic context (GRCh38, chr2:29,064,936, plus strand): 5'-ACCTCCTCTTGCTGGGGCTGCGCCTCTGGCTGGGATTTGTCCTGGATGTGGCCGGTCCGA[G>A]GCTCCGGTTGCAGCCCGTGGCCCAGCACACAGAACTCTGGGGGAGATGCACGCCTGGTGC-3'
Protein context (NP_001025054.1, residues 1257-1277): CVLGHGLQPE[Pro1267Leu]RTGHIQDKSQ

ClinVar aggregate classification (germline): Uncertain significance (1 of 4 stars; one submission).

Allele frequency attached by ClinVar (database versions not stated): TOPMed below 0.00001; ExAC 0.00001; gnomAD exomes 0.00001 and 0.00002.

Submission:

Labcorp Genetics (formerly Invitae), Labcorp
Classification: Uncertain significance. Last evaluated: 2025-06-23. Review status: criteria provided, single submitter. Criteria: Invitae Variant Classification Sherloc (09022015). Collection method: clinical testing. Allele origin: germline.
Comment: This sequence change replaces proline, which is neutral and non-polar, with leucine, which is neutral and non-polar, at codon 1267 of the PCARE protein (p.Pro1267Leu). This variant is present in population databases (rs760408273, gnomAD 0.03%). This variant has not been reported in the literature in individuals affected with PCARE-related conditions. ClinVar contains an entry for this variant (Variation ID: 1036009). An algorithm developed to predict the effect of missense changes on protein structure and function (PolyPhen-2) suggests that this variant is likely to be tolerated. In summary, the available evidence is currently insufficient to determine the role of this variant in disease. Therefore, it has been classified as a Variant of Uncertain Significance.